The following is an entry in ClinVar:

ClinVar aggregate classification (germline): Benign/Likely benign. Review status: criteria provided, multiple submitters, no conflicts (2 of 4 stars). 2 submissions from 2 submitters: Benign (1); Likely benign (1). Last evaluated 2026-01-01.

Allele frequency attached by ClinVar (database versions not stated): gnomAD exomes 0.00020 and 0.00054; ExAC 0.00071; TOPMed 0.00221; gnomAD 0.00222 and 0.00240; 1000 Genomes Project 30x 0.00234; ESP Exome Variant Server 0.00255; 1000 Genomes Project 0.00260.
gnomAD v4.1: 648 of 1,610,630 alleles (0.04%); highest among the groups gnomAD compares: African/African-American, 0.72%; 3 homozygotes.

Submissions (2):

CeGaT Center for Human Genetics Tuebingen
Classification: Likely benign. Last evaluated: 2026-01-01. Review status: criteria provided, single submitter. Criteria: CeGaT Center For Human Genetics Tuebingen Variant Classification Criteria Version 2. Collection method: clinical testing. Allele origin: germline. Affected: yes. Observed: 1 variant allele.
Comment: LAMA5: BP4, BP7

Labcorp Genetics (formerly Invitae), Labcorp
Classification: Benign. Last evaluated: 2025-11-23. Review status: criteria provided, single submitter. Criteria: Invitae Variant Classification Sherloc (09022015). Collection method: clinical testing. Allele origin: germline.

NM_005560.6(LAMA5):c.9447C>T (p.Ser3149=)

Gene: LAMA5 (laminin subunit alpha 5; minus strand). Cytogenetic location: 20q13.33.
Variant type: single nucleotide variant.
Coding change: c.9447C>T on transcript NM_005560.6 (MANE Select); coding-DNA position 9447, C replaced by T.
Protein change: p.Ser3149=; no amino-acid change (serine 3149 retained).
Molecular consequence: synonymous variant.
Genome position (GRCh38, 1-based): chr20:62,312,230, G>A on the plus strand (C>T on the coding strand, the complement: LAMA5 is on the minus strand). VCF-style: chr20-62312230-G-A. GRCh37 (hg19) VCF-style: chr20-60887286-G-A.
Identifiers: ClinVar variation 1540817 (VCV001540817.12), dbSNP rs143973406, ClinGen allele CA9940236.